The following is an entry in ClinVar:

ClinVar aggregate classification (germline): Uncertain significance. Review status: criteria provided, single submitter (1 of 4 stars). 2 submissions from 2 submitters: Uncertain significance (1). 1 of the submissions does not count toward it. Last evaluated 2025-08-10.

Conditions:
ACOX2-related disorder. Also called: ACOX2-related condition.

Allele frequency attached by ClinVar (database versions not stated): ESP Exome Variant Server 0.00077; gnomAD 0.00089 and 0.00094; 1000 Genomes Project 30x 0.00094; TOPMed 0.00096; 1000 Genomes Project 0.00100; ExAC 0.00059; gnomAD exomes 0.00061.
gnomAD v4.1: 1,144 of 1,614,180 alleles (0.071%); highest among the groups gnomAD compares: Admixed American, 0.23%; no homozygotes.

Submissions (2):

Labcorp Genetics (formerly Invitae), Labcorp
Classification: Uncertain significance. Last evaluated: 2025-08-10. Review status: criteria provided, single submitter. Criteria: Invitae Variant Classification Sherloc (09022015). Collection method: clinical testing. Allele origin: germline.
Comment: This sequence change replaces glutamine, which is neutral and polar, with glutamic acid, which is acidic and polar, at codon 528 of the ACOX2 protein (p.Gln528Glu). This variant is present in population databases (rs143228600, gnomAD 0.2%), and has an allele count higher than expected for a pathogenic variant. This variant has not been reported in the literature in individuals affected with ACOX2-related conditions. ClinVar contains an entry for this variant (Variation ID: 1424168). Invitae Evidence Modeling of protein sequence and biophysical properties (such as structural, functional, and spatial information, amino acid conservation, physicochemical variation, residue mobility, and thermodynamic stability) indicates that this missense variant is not expected to disrupt ACOX2 protein function with a negative predictive value of 80%. In summary, the available evidence is currently insufficient to determine the role of this variant in disease. Therefore, it has been classified as a Variant of Uncertain Significance.

PreventionGenetics, part of Exact Sciences
Classification: Likely benign for ACOX2-related condition. Last evaluated: 2022-04-27. Review status: no assertion criteria provided. Collection method: clinical testing. Allele origin: germline. Not counted in ClinVar's aggregate classification.
Comment: This variant is classified as likely benign based on ACMG/AMP sequence variant interpretation guidelines (Richards et al. 2015 PMID: 25741868, with internal and published modifications).

NM_003500.4(ACOX2):c.1582C>G (p.Gln528Glu)

Gene: ACOX2 (acyl-CoA oxidase 2; minus strand). Cytogenetic location: 3p14.3.
Variant type: single nucleotide variant.
Coding change: c.1582C>G on transcript NM_003500.4 (MANE Select); coding-DNA position 1582, C replaced by G.
Protein change: p.Gln528Glu; replaces glutamine 528 with glutamic acid.
Molecular consequence: missense variant.
Genome position (GRCh38, 1-based): chr3:58,522,546, G>C on the plus strand (C>G on the coding strand, the complement: ACOX2 is on the minus strand). VCF-style: chr3-58522546-G-C. GRCh37 (hg19) VCF-style: chr3-58508273-G-C.
Other names: c.1582C>G (NM_003500.3); short protein forms Q528E.
Identifiers: ClinVar variation 1424168 (VCV001424168.8), dbSNP rs143228600, ClinGen allele CA2472013.